The following is an entry in ClinVar:

ClinVar aggregate classification (germline): Uncertain significance (1 of 4 stars; one submission).

Submission:

Labcorp Genetics (formerly Invitae), Labcorp
Classification: Uncertain significance. Last evaluated: 2024-04-13. Review status: criteria provided, single submitter. Criteria: Invitae Variant Classification Sherloc (09022015). Collection method: clinical testing. Allele origin: germline.
Comment: This sequence change replaces glutamine, which is neutral and polar, with leucine, which is neutral and non-polar, at codon 220 of the BEST1 protein (p.Gln220Leu). This variant is not present in population databases (gnomAD no frequency). This variant has not been reported in the literature in individuals affected with BEST1-related conditions. Advanced modeling of protein sequence and biophysical properties (such as structural, functional, and spatial information, amino acid conservation, physicochemical variation, residue mobility, and thermodynamic stability) performed at Invitae indicates that this missense variant is expected to disrupt BEST1 protein function with a positive predictive value of 95%. In summary, the available evidence is currently insufficient to determine the role of this variant in disease. Therefore, it has been classified as a Variant of Uncertain Significance.

NM_004183.4(BEST1):c.659A>T (p.Gln220Leu)

Gene: BEST1 (bestrophin 1; plus strand). Cytogenetic location: 11q12.3.
Variant type: single nucleotide variant.
Coding change: c.659A>T on transcript NM_004183.4 (MANE Select); coding-DNA position 659, A replaced by T.
Protein change: p.Gln220Leu; replaces glutamine 220 with leucine.
Molecular consequence: missense variant. On other transcripts: non-coding transcript variant (1).
Genome position (GRCh38, 1-based): chr11:61,957,409, A>T. VCF-style: chr11-61957409-A-T. GRCh37 (hg19) VCF-style: chr11-61724881-A-T.
Other names: c.479A>T, p.Gln160Leu (NM_001300786.2, NM_001300787.2, NM_001139443.3); c.341A>T, p.Gln114Leu (NM_001363591.3); c.659A>T, p.Gln220Leu (NM_001363592.2); c.-517A>T (NM_001363593.3); short protein forms Q114L, Q160L, Q220L.
Identifiers: ClinVar variation 3634174 (VCV003634174.2).
Genomic context (GRCh38, chr11:61,957,409, plus strand): 5'-TGGTGTTCAGAACCCCATCCCCCTCTTCTGCCCCCCAGGAGATGAACACCTTGCGTACTC[A>T]GTGTGGACACCTGTATGCCTACGACTGGATTAGTATCCCACTGGTGTATACACAGGTGAG-3'
Protein context (NP_004174.1, residues 210-230): LLNEMNTLRT[Gln220Leu]CGHLYAYDWI